The following is an entry in ClinVar:

ClinVar aggregate classification (germline): Uncertain significance (1 of 4 stars; one submission).

Conditions:
Neurodevelopmental disorder with hypotonia, stereotypic hand movements, and impaired language. Also called: Intellectual disability, autosomal dominant 20. Identifiers: Orphanet 228384, Orphanet 664410, MedGen C3150700, MONDO:0013266, OMIM 613443.

Submission:

3billion
Classification: Uncertain significance for Neurodevelopmental disorder with hypotonia, stereotypic hand movements, and impaired language. Last evaluated: 2026-01-19. Review status: criteria provided, single submitter. Criteria: ACMG Guidelines, 2015. Collection method: clinical testing. Allele origin: germline. Affected: yes.
Comment: The variant is not observed in the gnomAD v4.1.0 dataset. Predicted Consequence/Location: Intron variant In silico tools predict the variant to alter splicing and produce an abnormal transcript [SpliceAI: 0.37 (>=0.2, moderate evidence for spliceogenicity)]. Therefore, this variant is classified as VUS according to the recommendation of ACMG/AMP guideline.

NM_002397.5(MEF2C):c.1100+1769A>C

Gene: MEF2C (myocyte enhancer factor 2C; minus strand). Cytogenetic location: 5q14.3.
Variant type: single nucleotide variant.
Coding change: c.1100+1769A>C on transcript NM_002397.5 (MANE Select); 1769 bases into the intron after coding-DNA position 1100, A replaced by C.
Molecular consequence: intron variant.
Genome position (GRCh38, 1-based): chr5:88,726,724, T>G on the plus strand (A>C on the coding strand, the complement: MEF2C is on the minus strand). VCF-style: chr5-88726724-T-G. GRCh37 (hg19) VCF-style: chr5-88022541-T-G.
Other names: c.1100+1769A>C (NM_001364329.2, NM_001364330.2, NM_001193350.2 and 9 more transcripts); c.1076+1769A>C (NM_001364333.2, NM_001308002.3, NM_001364349.2 and 6 more transcripts); c.956+1769A>C (NM_001364344.2, NM_001364354.2, NM_001364332.2 and 2 more transcripts); c.722+1769A>C (NM_001364353.2, NM_001364356.2); c.1070+1769A>C (NM_001131005.2, NM_001364352.2, NM_001364343.2); c.1130+1769A>C (NM_001193347.1, NM_001364338.2); c.932+1769A>C (NM_001193348.1); c.650+1769A>C (NM_001364357.2).
Identifiers: ClinVar variation 4855537 (VCV004855537.1).